The following is an entry in ClinVar:

NM_004990.4(MARS1):c.2111C>G (p.Ala704Gly)

Gene: MARS1 (methionyl-tRNA synthetase 1; plus strand). Cytogenetic location: 12q13.3.
Variant type: single nucleotide variant.
Coding change: c.2111C>G on transcript NM_004990.4 (MANE Select); coding-DNA position 2111, C replaced by G.
Protein change: p.Ala704Gly; replaces alanine 704 with glycine.
Molecular consequence: missense variant.
Genome position (GRCh38, 1-based): chr12:57,514,965, C>G. VCF-style: chr12-57514965-C-G. GRCh37 (hg19) VCF-style: chr12-57908748-C-G.
Other names: short protein forms A704G.
Identifiers: ClinVar variation 2946900 (VCV002946900.3), dbSNP rs2540318833, ClinGen allele CA385465115.

ClinVar aggregate classification (germline): Uncertain significance (1 of 4 stars; one submission).

Conditions:
Charcot-Marie-Tooth disease axonal type 2U. Also called: CHARCOT-MARIE-TOOTH NEUROPATHY, TYPE 2U; CHARCOT-MARIE-TOOTH DISEASE, AXONAL, AUTOSOMAL DOMINANT, TYPE 2U. Identifiers: Orphanet 397735, MedGen C4084821, MONDO:0014566, OMIM 616280.
Severe early-onset pulmonary alveolar proteinosis due to MARS deficiency. Also called: PULMONARY ALVEOLAR PROTEINOSIS, REUNION ISLAND; Interstitial lung and liver disease. Identifiers: Orphanet 440427, MedGen C4225400, MONDO:0014206, OMIM 615486.

Submission:

Labcorp Genetics (formerly Invitae), Labcorp
Classification: Uncertain significance for Charcot-Marie-Tooth disease axonal type 2U; Severe early-onset pulmonary alveolar proteinosis due to MARS deficiency. Last evaluated: 2023-08-20. Review status: criteria provided, single submitter. Criteria: Invitae Variant Classification Sherloc (09022015). Collection method: clinical testing. Allele origin: germline.
Comment: In summary, the available evidence is currently insufficient to determine the role of this variant in disease. Therefore, it has been classified as a Variant of Uncertain Significance. An algorithm developed to predict the effect of missense changes on protein structure and function (PolyPhen-2) suggests that this variant is likely to be tolerated. This sequence change replaces alanine, which is neutral and non-polar, with glycine, which is neutral and non-polar, at codon 704 of the MARS protein (p.Ala704Gly). This variant is not present in population databases (gnomAD no frequency). This variant has not been reported in the literature in individuals affected with MARS-related conditions.